The following is an entry in ClinVar:

NM_001065.4(TNFRSF1A):c.40-9C>A

Gene: TNFRSF1A (TNF receptor superfamily member 1A; minus strand). Cytogenetic location: 12p13.31.
Variant type: single nucleotide variant.
Coding change: c.40-9C>A on transcript NM_001065.4 (MANE Select); 9 bases into the intron before coding-DNA position 40, C replaced by A.
Molecular consequence: intron variant.
Genome position (GRCh38, 1-based): chr12:6,334,253, G>T on the plus strand (C>A on the coding strand, the complement: TNFRSF1A is on the minus strand). VCF-style: chr12-6334253-G-T. GRCh37 (hg19) VCF-style: chr12-6443419-G-T.
Other names: c.-131-388C>A (NM_001346091.2); c.-538-9C>A (NM_001346092.2).
Identifiers: ClinVar variation 245670 (VCV000245670.10), dbSNP rs371080583, ClinGen allele CA6405617.

ClinVar aggregate classification (germline): Benign/Likely benign. Review status: criteria provided, multiple submitters, no conflicts (2 of 4 stars). 3 submissions from 3 submitters: Benign (1); Likely benign (2). Last evaluated 2026-01-20.

Conditions:
TNF receptor-associated periodic fever syndrome (TRAPS) (FPF). Also called: TNF receptor 1-associated periodic fever syndrome; FAMILIAL HIBERNIAN FEVER; TNF RECEPTOR-ASSOCIATED PERIODIC SYNDROME; TUMOR NECROSIS FACTOR RECEPTOR-ASSOCIATED PERIODIC SYNDROME; Autosomal Dominant Familial Periodic Fever; TNF Receptor-Associated Periodic Fever Syndrome. Identifiers: Orphanet 32960, MedGen C1275126, MONDO:0007727, OMIM 142680.

Allele frequency attached by ClinVar (database versions not stated): TOPMed 0.00007; ESP Exome Variant Server 0.00031.

Submissions (3):

Labcorp Genetics (formerly Invitae), Labcorp
Classification: Likely benign for TNF receptor-associated periodic fever syndrome (TRAPS). Last evaluated: 2026-01-20. Review status: criteria provided, single submitter. Criteria: Invitae Variant Classification Sherloc (09022015). Collection method: clinical testing. Allele origin: germline.

Blueprint Genetics
Classification: Likely benign. Last evaluated: 2023-07-25. Review status: criteria provided, single submitter. Criteria: ACMG Guidelines, 2015. Collection method: clinical testing. Allele origin: germline.

GeneDx
Classification: Benign. Last evaluated: 2015-04-08. Review status: criteria provided, single submitter. Criteria: GeneDx Variant Classification (06012015). Collection method: clinical testing. Allele origin: germline. Affected: yes.
Comment: This variant is considered likely benign or benign based on one or more of the following criteria: it is a conservative change, it occurs at a poorly conserved position in the protein, it is predicted to be benign by multiple in silico algorithms, and/or has population frequency not consistent with disease.